The following is an entry in ClinVar:

NM_015047.3(EMC1):c.2858T>A (p.Phe953Tyr)

Genes: EMC1 (ER membrane protein complex subunit 1; minus strand), EMC1-AS1 (EMC1 antisense RNA 1; plus strand). Cytogenetic location: 1p36.13.
Variant type: single nucleotide variant.
Coding change: c.2858T>A on transcript NM_015047.3 (MANE Select); coding-DNA position 2858, T replaced by A.
Protein change: p.Phe953Tyr; replaces phenylalanine 953 with tyrosine.
Molecular consequence: missense variant.
Genome position (GRCh38, 1-based): chr1:19,219,427, A>T on the plus strand (T>A on the coding strand, the complement: EMC1 is on the minus strand). VCF-style: chr1-19219427-A-T. GRCh37 (hg19) VCF-style: chr1-19545921-A-T.
Other names: c.2855T>A, p.Phe952Tyr (NM_001271427.2, NM_001271428.2); c.2792T>A, p.Phe931Tyr (NM_001271429.2); c.2867T>A, p.Phe956Tyr (NM_001375820.1); c.2864T>A, p.Phe955Tyr (NM_001375821.1); short protein forms F952Y, F955Y, F956Y, F931Y, F953Y.
Identifiers: ClinVar variation 1472149 (VCV001472149.8), dbSNP rs1267383375, ClinGen allele CA338749166.

ClinVar aggregate classification (germline): Uncertain significance (1 of 4 stars; one submission).

gnomAD v4.1: 2 of 1,614,034 alleles (0.00012%); highest among the groups gnomAD compares: Non-Finnish European, 0.00017%; no homozygotes.

Submission:

Labcorp Genetics (formerly Invitae), Labcorp
Classification: Uncertain significance. Last evaluated: 2021-02-03. Review status: criteria provided, single submitter. Criteria: Invitae Variant Classification Sherloc (09022015). Collection method: clinical testing. Allele origin: germline.
Comment: In summary, the available evidence is currently insufficient to determine the role of this variant in disease. Therefore, it has been classified as a Variant of Uncertain Significance. Algorithms developed to predict the effect of missense changes on protein structure and function are either unavailable or do not agree on the potential impact of this missense change (SIFT: "Deleterious"; PolyPhen-2: "Probably Damaging"; Align-GVGD: "Class C15"). This variant has not been reported in the literature in individuals with EMC1-related conditions. This variant is not present in population databases (ExAC no frequency). This sequence change replaces phenylalanine with tyrosine at codon 953 of the EMC1 protein (p.Phe953Tyr). The phenylalanine residue is highly conserved and there is a small physicochemical difference between phenylalanine and tyrosine.